The following is an entry in ClinVar:

ClinVar aggregate classification (germline): Uncertain significance. Review status: criteria provided, multiple submitters, no conflicts (2 of 4 stars). 2 submissions from 2 submitters: Uncertain significance (2). Last evaluated 2026-06-12.

Conditions:
Hereditary cancer-predisposing syndrome. Also called: Neoplastic Syndromes, Hereditary; Tumor predisposition; Hereditary Cancer Syndrome; Hereditary neoplastic syndrome. Identifiers: Orphanet 140162, MedGen C0027672, MeSH D009386, MONDO:0015356.
Tuberous sclerosis 2 (TSC2). Identifiers: Orphanet 805, MedGen C1860707, MONDO:0013199, OMIM 613254.

gnomAD v4.1: 1 of 1,612,928 alleles (0.000062%); highest among the groups gnomAD compares: Non-Finnish European, 0.000085%; no homozygotes.

Submissions (2):

Ambry Genetics
Classification: Uncertain significance for Hereditary cancer-predisposing syndrome. Last evaluated: 2026-06-12. Review status: criteria provided, single submitter. Criteria: Ambry Variant Classification Scheme 2023. Collection method: clinical testing. Allele origin: germline.
Comment: The p.S1221T variant (also known as c.3661T>A), located in coding exon 30 of the TSC2 gene, results from a T to A substitution at nucleotide position 3661. The serine at codon 1221 is replaced by threonine, an amino acid with similar properties. This amino acid position is conserved. In addition, the in silico prediction for this alteration is inconclusive. Based on the available evidence, the clinical significance of this variant remains unclear.

Labcorp Genetics (formerly Invitae), Labcorp
Classification: Uncertain significance for Tuberous sclerosis 2. Last evaluated: 2024-10-16. Review status: criteria provided, single submitter. Criteria: Invitae Variant Classification Sherloc (09022015). Collection method: clinical testing. Allele origin: germline.
Comment: This sequence change replaces serine, which is neutral and polar, with threonine, which is neutral and polar, at codon 1221 of the TSC2 protein (p.Ser1221Thr). This variant is not present in population databases (gnomAD no frequency). This variant has not been reported in the literature in individuals affected with TSC2-related conditions. ClinVar contains an entry for this variant (Variation ID: 1374125). Invitae Evidence Modeling of protein sequence and biophysical properties (such as structural, functional, and spatial information, amino acid conservation, physicochemical variation, residue mobility, and thermodynamic stability) indicates that this missense variant is not expected to disrupt TSC2 protein function with a negative predictive value of 95%. In summary, the available evidence is currently insufficient to determine the role of this variant in disease. Therefore, it has been classified as a Variant of Uncertain Significance.

NM_000548.5(TSC2):c.3661T>A (p.Ser1221Thr)

Gene: TSC2 (TSC complex subunit 2; plus strand). Cytogenetic location: 16p13.3.
Variant type: single nucleotide variant.
Coding change: c.3661T>A on transcript NM_000548.5 (MANE Select); coding-DNA position 3661, T replaced by A.
Protein change: p.Ser1221Thr; replaces serine 1221 with threonine.
Molecular consequence: missense variant.
Genome position (GRCh38, 1-based): chr16:2,081,645, T>A. VCF-style: chr16-2081645-T-A. GRCh37 (hg19) VCF-style: chr16-2131646-T-A.
Other names: c.3529T>A, p.Ser1177Thr (NM_001077183.3, NM_001370404.1); c.3661T>A, p.Ser1221Thr (NM_001114382.3); c.3421T>A, p.Ser1141Thr (NM_001318827.2); c.3385T>A, p.Ser1129Thr (NM_001318829.2); c.2929T>A, p.Ser977Thr (NM_001318831.2); c.3562T>A, p.Ser1188Thr (NM_001318832.2); c.3532T>A, p.Ser1178Thr (NM_001363528.2, NM_001370405.1, NM_021055.3); c.3661T>A (NM_000548.3); short protein forms S1141T, S1188T, S977T, S1129T, S1177T, S1178T, S1221T.
Identifiers: ClinVar variation 1374125 (VCV001374125.9), dbSNP rs2151481521, ClinGen allele CA394292074.
Genomic context (GRCh38, chr16:2,081,645, plus strand): 5'-GCCTCCGCAGGGAACACCAGCTGGCTGATGAGCCTGGAGAACCCGCTCAGCCCTTTCTCC[T>A]CGGACATCAACAACATGCCCCTGCAGGAGCTGTCTAACGCCCTCATGGCGGCTGAGCGCT-3'
Protein context (NP_000539.2, residues 1211-1231): SLENPLSPFS[Ser1221Thr]DINNMPLQEL